The following is an entry in ClinVar:

ClinVar aggregate classification (germline): Pathogenic (1 of 4 stars; one submission).

Conditions:
Joubert syndrome and related disorders. Identifiers: Orphanet 140874, MedGen C5679612, MONDO:0015369.

Submission:

Myriad Genetics, Inc.
Classification: Pathogenic for Joubert syndrome and related disorders. Last evaluated: 2025-07-03. Review status: criteria provided, single submitter. Criteria: Myriad Autosomal Dominant, Autosomal Recessive and X-Linked Classification Criteria (2023). Collection method: clinical testing. Allele origin: unknown.
Comment: NM_001080522.2(CC2D2A):c.426dupA(F143Ifs*17) is expected to be pathogenic in the context of CC2D2A-related disorders. This variant is predicted to lead to an abnormal or absent protein product due to the creation of a premature termination codon in CC2D2A, a gene where loss-of-function variants are known to be pathogenic. Please note: this variant was assessed in the context of healthy population screening.

NM_001378615.1(CC2D2A):c.426dup (p.Phe143fs)

Genes: CC2D2A (coiled-coil and C2 domain containing 2A; plus strand), FBXL5 (F-box and leucine rich repeat protein 5; minus strand). Cytogenetic location: 4p15.32.
Variant type: Duplication.
Coding change: c.426dup on transcript NM_001378615.1 (MANE Select); coding-DNA position 426, one base duplicated (A; older notation c.426dupA).
Protein change: p.Phe143fs; shifts the reading frame from phenylalanine 143.
Molecular consequence: frameshift variant.
Genome position (GRCh38, 1-based): chr4:15,502,911, A duplicated; the last of 2 consecutive A bases (chr4:15,502,910-15,502,911); duplicating either gives the same sequence. VCF-style (leftmost placement, unchanged base first): chr4-15502909-G-GA. GRCh37 (hg19) VCF-style: chr4-15504532-G-GA.
Other names: c.426dup, p.Phe143fs (NM_001080522.2); c.279dup, p.Phe94fs (NM_001378617.1); short protein forms F143fs, F94fs.
Identifiers: ClinVar variation 5014683 (VCV005014683.1).